The following is an entry in ClinVar:

NM_198578.4(LRRK2):c.1034A>G (p.Asp345Gly)

Gene: LRRK2 (leucine rich repeat kinase 2; plus strand). Cytogenetic location: 12q12.
Variant type: single nucleotide variant.
Coding change: c.1034A>G on transcript NM_198578.4 (MANE Select); coding-DNA position 1034, A replaced by G.
Protein change: p.Asp345Gly; replaces aspartic acid 345 with glycine.
Molecular consequence: missense variant.
Genome position (GRCh38, 1-based): chr12:40,251,307, A>G. VCF-style: chr12-40251307-A-G. GRCh37 (hg19) VCF-style: chr12-40645109-A-G.
Other names: short protein forms D345G.
Identifiers: ClinVar variation 1772052 (VCV001772052.2), dbSNP rs2499503061, ClinGen allele CA384407863.

ClinVar aggregate classification (germline): Uncertain significance (1 of 4 stars; one submission).

Conditions:
Inborn genetic diseases. Identifiers: MedGen C0950123, MeSH D030342.

Submission:

Ambry Genetics
Classification: Uncertain significance for Inborn genetic diseases. Last evaluated: 2022-10-01. Review status: criteria provided, single submitter. Criteria: Ambry Variant Classification Scheme 2023. Collection method: clinical testing. Allele origin: germline.
Comment: The p.D345G variant (also known as c.1034A>G), located in coding exon 9 of the LRRK2 gene, results from an A to G substitution at nucleotide position 1034. The aspartic acid at codon 345 is replaced by glycine, an amino acid with similar properties. This amino acid position is conserved. In addition, this alteration is predicted to be tolerated by in silico analysis. Since supporting evidence is limited at this time, the clinical significance of this alteration remains unclear.